The following is an entry in ClinVar:

ClinVar aggregate classification (germline): Uncertain significance (1 of 4 stars; one submission).

Conditions:
DYRK1A-related intellectual disability syndrome (MRD7). Also called: Intellectual developmental disorder, autosomal dominant 7; DYRK1A Syndrome. Identifiers: Orphanet 464306, MedGen C5568143, MONDO:0013578, OMIM 614104.

Allele frequency attached by ClinVar (database versions not stated): ExAC 0.00001; gnomAD exomes 0.00002; TOPMed below 0.00001.
gnomAD v4.1: 37 of 1,613,664 alleles (0.0023%); highest among the groups gnomAD compares: Non-Finnish European, 0.0029%; no homozygotes.

Submission:

Labcorp Genetics (formerly Invitae), Labcorp
Classification: Uncertain significance for DYRK1A-related intellectual disability syndrome. Last evaluated: 2022-08-25. Review status: criteria provided, single submitter. Criteria: Invitae Variant Classification Sherloc (09022015). Collection method: clinical testing. Allele origin: germline.
Comment: In summary, the available evidence is currently insufficient to determine the role of this variant in disease. Therefore, it has been classified as a Variant of Uncertain Significance. Advanced modeling of protein sequence and biophysical properties (such as structural, functional, and spatial information, amino acid conservation, physicochemical variation, residue mobility, and thermodynamic stability) performed at Invitae indicates that this missense variant is not expected to disrupt DYRK1A protein function. This variant has not been reported in the literature in individuals affected with DYRK1A-related conditions. This variant is present in population databases (rs777888971, gnomAD 0.002%). This sequence change replaces isoleucine, which is neutral and non-polar, with valine, which is neutral and non-polar, at codon 303 of the DYRK1A protein (p.Ile303Val).

NM_001347721.2(DYRK1A):c.880A>G (p.Ile294Val)

Gene: DYRK1A (dual specificity tyrosine phosphorylation regulated kinase 1A; plus strand). Cytogenetic location: 21q22.13.
Variant type: single nucleotide variant.
Coding change: c.880A>G on transcript NM_001347721.2 (MANE Select); coding-DNA position 880, A replaced by G.
Protein change: p.Ile294Val; replaces isoleucine 294 with valine.
Molecular consequence: missense variant.
Genome position (GRCh38, 1-based): chr21:37,490,417, A>G. VCF-style: chr21-37490417-A-G. GRCh37 (hg19) VCF-style: chr21-38862719-A-G.
Other names: c.880A>G, p.Ile294Val (NM_001347722.2, NM_130436.2); c.793A>G, p.Ile265Val (NM_001347723.2); c.907A>G, p.Ile303Val (NM_001396.5, NM_101395.2, NM_130438.2); short protein forms I294V, I303V, I265V.
Identifiers: ClinVar variation 2158599 (VCV002158599.4), dbSNP rs777888971, ClinGen allele CA10023865.